The following is an entry in ClinVar:

NM_003118.4(SPARC):c.585+1G>T

Gene: SPARC (secreted protein acidic and cysteine rich; minus strand). Cytogenetic location: 5q33.1.
Variant type: single nucleotide variant.
Coding change: c.585+1G>T on transcript NM_003118.4 (MANE Select); the canonical splice donor site of the intron after coding-DNA position 585, G replaced by T.
Molecular consequence: splice donor variant.
Genome position (GRCh38, 1-based): chr5:151,667,466, C>A on the plus strand (G>T on the coding strand, the complement: SPARC is on the minus strand). VCF-style: chr5-151667466-C-A. GRCh37 (hg19) VCF-style: chr5-151047027-C-A.
Other names: c.582+1G>T (NM_001309443.2); c.585+1G>T (NM_001309444.2).
Identifiers: ClinVar variation 1477690 (VCV001477690.6), dbSNP rs2113088217, ClinGen allele CA361831844.

ClinVar aggregate classification (germline): Uncertain significance (1 of 4 stars; one submission).

Submission:

Labcorp Genetics (formerly Invitae), Labcorp
Classification: Uncertain significance. Last evaluated: 2021-12-28. Review status: criteria provided, single submitter. Criteria: Invitae Variant Classification Sherloc (09022015). Collection method: clinical testing. Allele origin: germline.
Comment: This sequence change affects a donor splice site in intron 7 of the SPARC gene. It is expected to disrupt RNA splicing. Variants that disrupt the donor or acceptor splice site typically lead to a loss of protein function (PMID: 16199547), however the current clinical and genetic evidence is not sufficient to establish whether loss-of-function variants in SPARC cause disease. This variant is not present in population databases (gnomAD no frequency). In summary, the available evidence is currently insufficient to determine the role of this variant in disease. Therefore, it has been classified as a Variant of Uncertain Significance. Algorithms developed to predict the effect of sequence changes on RNA splicing suggest that this variant may disrupt the consensus splice site. This variant has not been reported in the literature in individuals affected with SPARC-related conditions.

Literature cited by the submitters: PubMed 16199547.